The following is an entry in ClinVar:

NM_001069.3(TUBB2A):c.728C>T (p.Pro243Leu)

Gene: TUBB2A (tubulin beta 2A class IIa; minus strand). Cytogenetic location: 6p25.2.
Variant type: single nucleotide variant.
Coding change: c.728C>T on transcript NM_001069.3 (MANE Select); coding-DNA position 728, C replaced by T.
Protein change: p.Pro243Leu; replaces proline 243 with leucine.
Molecular consequence: missense variant.
Genome position (GRCh38, 1-based): chr6:3,154,473, G>A on the plus strand (C>T on the coding strand, the complement: TUBB2A is on the minus strand). VCF-style: chr6-3154473-G-A. GRCh37 (hg19) VCF-style: chr6-3154707-G-A.
Other names: c.473C>T, p.Pro158Leu (NM_001310315.2); short protein forms P243L, P158L.
Identifiers: ClinVar variation 546138 (VCV000546138.10), dbSNP rs1554122947, ClinGen allele CA362592090.

ClinVar aggregate classification (germline): Conflicting classifications of pathogenicity. Review status: criteria provided, conflicting classifications (1 of 4 stars). 6 submissions from 6 submitters: Pathogenic (3); Likely pathogenic (1); Uncertain significance (2). Last evaluated 2024-10-10.

Conditions:
Complex cortical dysplasia with other brain malformations 5. Identifiers: MedGen C3810407, MONDO:0014337, OMIM 615763.

Submissions (6):

Victorian Clinical Genetics Services, Murdoch Childrens Research Institute
Classification: Pathogenic for Complex cortical dysplasia with other brain malformations 5. Last evaluated: 2024-10-10. Review status: criteria provided, single submitter. Criteria: ACMG Guidelines, 2015. Collection method: clinical testing. Allele origin: germline. Inheritance: Autosomal dominant inheritance. Affected: yes.
Comment: Based on the classification scheme VCGS_Germline_v1.3.5, this variant is classified as Pathogenic. Following criteria are met: 0104 - Dominant negative is a likely mechanism of disease in this gene and is associated with cortical dysplasia, complex, with other brain malformations 5, (MIM#615763). Functional studies have shown missense variants to cause weakened incorporation into cytoskeleton, and potentially impaired heterodimer formation indicating loss of function. However, the mutational spectrum is more suggestive of a dominant negative mechanism (PMID: 24702957). (I) 0107 - This gene is associated with autosomal dominant disease. (I) 0200 - Variant is predicted to result in a missense amino acid change from proline to leucine. (I) 0251 - This variant is heterozygous. (I) 0301 - Variant is absent from gnomAD (v2, v3 and v4). (SP) 0502 - Missense variant with conflicting in silico predictions and uninformative conservation. (I) 0603 - Missense variant in a region that is highly intolerant to missense variation (low missense variation in gnomAD). (SP) 0710 - Another missense variant comparable to the one identified in this case has inconclusive previous evidence for pathogenicity. p.(Pro243Arg) has one VUS report in ClinVar. (I) 0802 - This variant has moderate previous evidence of pathogenicity in unrelated individuals. This variant is reported as conflicting in ClinVar, and has been reported de novo in an individual with infantile-onset epilepsy and global developmental delay in the literature (PMID: 32203252). (SP) 0905 - No published segregation evidence has been identified for this variant. (I) 1007 - No published functional evidence has been identified for this variant. (SP) Legend: (SP) - Supporting pathogenic, (I) - Information, (SB) - Supporting benign

Labcorp Genetics (formerly Invitae), Labcorp
Classification: Uncertain significance. Last evaluated: 2024-05-15. Review status: criteria provided, single submitter. Criteria: Invitae Variant Classification Sherloc (09022015). Collection method: clinical testing. Allele origin: germline.
Comment: This sequence change replaces proline, which is neutral and non-polar, with leucine, which is neutral and non-polar, at codon 243 of the TUBB2A protein (p.Pro243Leu). This variant is not present in population databases (gnomAD no frequency). This missense change has been observed in individual(s) with clinical features of cortical malformation syndrome (PMID: 32203252). ClinVar contains an entry for this variant (Variation ID: 546138). Advanced modeling of protein sequence and biophysical properties (such as structural, functional, and spatial information, amino acid conservation, physicochemical variation, residue mobility, and thermodynamic stability) performed at Invitae indicates that this missense variant is expected to disrupt TUBB2A protein function with a positive predictive value of 80%. In summary, the available evidence is currently insufficient to determine the role of this variant in disease. Therefore, it has been classified as a Variant of Uncertain Significance.

Laboratoire de Génétique Moléculaire, CHU Bordeaux
Classification: Pathogenic for Complex cortical dysplasia with other brain malformations 5. Last evaluated: 2023-04-21. Review status: criteria provided, single submitter. Criteria: ACMG Guidelines, 2015. Collection method: clinical testing. Allele origin: germline. Affected: yes.

HudsonAlpha Institute for Biotechnology
Classification: Uncertain significance for Complex cortical dysplasia with other brain malformations 5. Last evaluated: 2023-04-17. Review status: criteria provided, single submitter. Criteria: ACMG Guidelines, 2015. Collection method: research. Allele origin: de novo. Observed: 1 variant allele. Study: CSER-HudsonAlpha.

GeneDx
Classification: Pathogenic. Last evaluated: 2021-06-04. Review status: criteria provided, single submitter. Criteria: GeneDx Variant Classification Process June 2021. Collection method: clinical testing. Allele origin: germline. Affected: yes.
Comment: Published functional studies suggest a damaging effect; P243L variant causes shortening of neurites and that the P243 residue plays a role in the intradimer interaction of the tubulin proteins (Zheng et al., 2017); Not observed at significant frequency in large population cohorts (Lek et al., 2016); In silico analysis supports that this missense variant has a deleterious effect on protein structure/function; This variant is associated with the following publications: (PMID: 32203252, 28835377, 27535533)

Laboratory of Molecular Genetics (Pr. Bezieau's lab), CHU de Nantes
Classification: Likely pathogenic. Last evaluated: 2018-08-08. Review status: criteria provided, single submitter. Criteria: ACMG Guidelines, 2015. Collection method: clinical testing. Allele origin: germline. Affected: yes.

Literature cited by the submitters: PubMed 24702957 (cited by Victorian Clinical Genetics Services, Murdoch Childrens Research Institute); PubMed 32203252 (cited by Victorian Clinical Genetics Services, Murdoch Childrens Research Institute and Labcorp Genetics (formerly Invitae), Labcorp).